The following is an entry in ClinVar:

ClinVar aggregate classification (germline): Likely benign (1 of 4 stars; one submission).

Allele frequency attached by ClinVar (database versions not stated): ExAC 0.00001; gnomAD 0.00001.
gnomAD v4.1: 2 of 1,613,934 alleles (0.00012%); highest among the groups gnomAD compares: Non-Finnish European, 0.00017%; no homozygotes.

Submission:

CeGaT Center for Human Genetics Tuebingen
Classification: Likely benign. Last evaluated: 2023-03-01. Review status: criteria provided, single submitter. Criteria: CeGaT Center For Human Genetics Tuebingen Variant Classification Criteria Version 2. Collection method: clinical testing. Allele origin: germline. Affected: yes. Observed: 1 variant allele.
Comment: RELN: BP4, BP7

NM_005045.4(RELN):c.3468G>A (p.Gln1156=)

Gene: RELN (reelin; minus strand). Cytogenetic location: 7q22.1.
Variant type: single nucleotide variant.
Coding change: c.3468G>A on transcript NM_005045.4 (MANE Select); coding-DNA position 3468, G replaced by A.
Protein change: p.Gln1156=; no amino-acid change (glutamine 1156 retained).
Molecular consequence: synonymous variant.
Genome position (GRCh38, 1-based): chr7:103,596,527, C>T on the plus strand (G>A on the coding strand, the complement: RELN is on the minus strand). VCF-style: chr7-103596527-C-T. GRCh37 (hg19) VCF-style: chr7-103236974-C-T.
Other names: c.3468G>A, p.Gln1156= (NM_173054.3).
Identifiers: ClinVar variation 2657900 (VCV002657900.24), dbSNP rs748669801, ClinGen allele CA4421759.